The following is an entry in ClinVar:

ClinVar aggregate classification (germline): Benign/Likely benign. Review status: criteria provided, multiple submitters, no conflicts (2 of 4 stars). 15 submissions from 15 submitters: Benign (8); Likely benign (7). Last evaluated 2026-09-01.

Conditions:
Familial thoracic aortic aneurysm and aortic dissection (TAAD). Also called: Thoracic aortic aneurysms and dissections. Identifiers: Orphanet 91387, MedGen C4707243, MONDO:0019625.
Arterial tortuosity syndrome (ATORS). Identifiers: Orphanet 3342, MedGen C1859726, MONDO:0008818, OMIM 208050.

Allele frequency attached by ClinVar (database versions not stated): ESP Exome Variant Server 0.00392; 1000 Genomes Project 30x 0.00406; gnomAD 0.00411 and 0.00419; 1000 Genomes Project 0.00439; TOPMed 0.00468; gnomAD exomes 0.00472; ExAC 0.00475.
gnomAD v4.1: 8,177 of 1,614,168 alleles (0.51%); highest among the groups gnomAD compares: South Asian, 0.67%; 33 homozygotes.

Submissions (15):

CeGaT Center for Human Genetics Tuebingen
Classification: Likely benign. Last evaluated: 2026-09-01. Review status: criteria provided, single submitter. Criteria: CeGaT Center For Human Genetics Tuebingen Variant Classification Criteria Version 2. Collection method: clinical testing. Allele origin: germline. Affected: yes. Observed: 29 variant alleles.
Comment: SLC2A10: BP4, BP7, BS2

Labcorp Genetics (formerly Invitae), Labcorp
Classification: Benign for Arterial tortuosity syndrome. Last evaluated: 2026-02-04. Review status: criteria provided, single submitter. Criteria: Invitae Variant Classification Sherloc (09022015). Collection method: clinical testing. Allele origin: germline.

ARUP Laboratories, Molecular Genetics and Genomics, ARUP Laboratories
Classification: Benign for Arterial tortuosity syndrome. Last evaluated: 2025-07-17. Review status: criteria provided, single submitter. Criteria: ARUP Molecular Germline Variant Investigation Process 2024. Collection method: clinical testing. Allele origin: germline.

Molecular Diagnostic Laboratory for Inherited Cardiovascular Disease, Montreal Heart Institute
Classification: Benign. Last evaluated: 2025-04-09. Review status: criteria provided, single submitter. Criteria: ACMG Guidelines, 2015. Collection method: clinical testing. Allele origin: germline. Affected: no.

Blueprint Genetics
Classification: Likely benign. Last evaluated: 2024-11-28. Review status: criteria provided, single submitter. Criteria: ACMG Guidelines, 2015. Collection method: clinical testing. Allele origin: germline.

Mayo Clinic Laboratories, Mayo Clinic
Classification: Benign. Last evaluated: 2024-05-07. Review status: criteria provided, single submitter. Criteria: ACMG Guidelines, 2015. Collection method: clinical testing. Allele origin: germline. Observed: 10 variant alleles.
Comment: BS1, BS2, BP4, BP7

Fulgent Genetics
Classification: Likely benign for Arterial tortuosity syndrome. Last evaluated: 2021-09-13. Review status: criteria provided, single submitter. Criteria: ACMG Guidelines, 2015. Collection method: clinical testing. Allele origin: unknown.

Women's Health and Genetics/Laboratory Corporation of America, LabCorp
Classification: Benign. Last evaluated: 2019-12-09. Review status: criteria provided, single submitter. Criteria: LabCorp Variant Classification Summary - May 2015. Collection method: clinical testing. Allele origin: germline.
Comment: Variant summary: SLC2A10 c.366C>T results in a synonymous change. 5/5 computational tools predict no significant impact on normal splicing. However, these predictions have yet to be confirmed by functional studies. The variant allele was found at a frequency of 0.0047 in 251232 control chromosomes, predominantly at a frequency of 0.0067 within the South Asian subpopulation in the gnomAD database, including 2 homozygotes. The observed variant frequency within South Asian control individuals in the gnomAD database is approximately 4-folds over the estimated maximal expected allele frequency for a pathogenic variant in SLC2A10 causing Aortopathy phenotype (0.0016), strongly suggesting that the variant is a benign polymorphism found primarily in populations of South Asian origin. To our knowledge, no occurrence of c.366C>T in individuals affected with Aortopathy and no experimental evidence demonstrating its impact on protein function have been reported. Six ClinVar submissions (evaluation after 2014) cite the variant four times as benign and twice as likely benign. Based on the evidence outlined above, the variant was classified as benign.

Illumina Laboratory Services, Illumina
Classification: Likely benign for Arterial tortuosity syndrome. Last evaluated: 2018-01-13. Review status: criteria provided, single submitter. Criteria: ICSL Variant Classification Criteria 13 December 2019. Collection method: clinical testing. Allele origin: germline.
Comment: This variant was observed in the ICSL laboratory as part of a predisposition screen in an ostensibly healthy population. It had not been previously curated by ICSL or reported in the Human Gene Mutation Database (HGMD: prior to June 1st, 2018), and was therefore a candidate for classification through an automated scoring system. Utilizing variant allele frequency, disease prevalence and penetrance estimates, and inheritance mode, an automated score was calculated to assess if this variant is too frequent to cause the disease. Based on the score and internal cut-off values, a variant classified as likely benign is not then subjected to further curation. The score for this variant resulted in a classification of likely benign for this disease.

CHEO Genetics Diagnostic Laboratory, Children's Hospital of Eastern Ontario
Classification: Benign for Familial thoracic aortic aneurysm and aortic dissection. Last evaluated: 2016-06-24. Review status: criteria provided, single submitter. Criteria: ACMG Guidelines, 2015. Collection method: clinical testing. Allele origin: germline. Study: Canadian Open Genetics Repository.

PreventionGenetics, part of Exact Sciences
Classification: Benign. Last evaluated: 2016-04-12. Review status: criteria provided, single submitter. Criteria: ACMG Guidelines, 2015. Collection method: clinical testing. Allele origin: germline.

Ambry Genetics
Classification: Likely benign for Familial thoracic aortic aneurysm and aortic dissection. Last evaluated: 2015-09-22. Review status: criteria provided, single submitter. Criteria: Ambry Variant Classification Scheme 2023. Collection method: clinical testing. Allele origin: germline.

Eurofins Ntd Llc (ga)
Classification: Likely benign. Last evaluated: 2015-08-05. Review status: criteria provided, single submitter. Criteria: EGL Classification Definitions 2015. Collection method: clinical testing. Allele origin: germline. Observed: 1 variant allele, 1 heterozygote.

GeneDx
Classification: Benign. Last evaluated: 2013-02-21. Review status: criteria provided, single submitter. Criteria: GeneDx Variant Classification (06012015). Collection method: clinical testing. Allele origin: germline. Affected: yes.
Comment: This variant is considered likely benign or benign based on one or more of the following criteria: it is a conservative change, it occurs at a poorly conserved position in the protein, it is predicted to be benign by multiple in silico algorithms, and/or has population frequency not consistent with disease.

Breakthrough Genomics
Classification: Likely benign. Review status: criteria provided, single submitter. Criteria: ACMG Guidelines, 2015. Collection method: not provided. Allele origin: germline. Inheritance: Autosomal recessive inheritance. Affected: yes.

NM_030777.4(SLC2A10):c.366C>T (p.Tyr122=)

Gene: SLC2A10 (solute carrier family 2 member 10; plus strand). Cytogenetic location: 20q13.12.
Variant type: single nucleotide variant.
Coding change: c.366C>T on transcript NM_030777.4 (MANE Select); coding-DNA position 366, C replaced by T.
Protein change: p.Tyr122=; no amino-acid change (tyrosine 122 retained).
Molecular consequence: synonymous variant.
Genome position (GRCh38, 1-based): chr20:46,725,402, C>T. VCF-style: chr20-46725402-C-T. GRCh37 (hg19) VCF-style: chr20-45354041-C-T.
Other names: p.Y122Y:TAC>TAT; p.Tyr122=.
Identifiers: ClinVar variation 139171 (VCV000139171.75), dbSNP rs34990188, ClinGen allele CA293547.